The following is an entry in ClinVar:

NM_013275.6(ANKRD11):c.1994A>G (p.Lys665Arg)

Gene: ANKRD11 (ankyrin repeat domain 11; minus strand). Cytogenetic location: 16q24.3.
Variant type: single nucleotide variant.
Coding change: c.1994A>G on transcript NM_013275.6 (MANE Select); coding-DNA position 1994, A replaced by G.
Protein change: p.Lys665Arg; replaces lysine 665 with arginine.
Molecular consequence: missense variant.
Genome position (GRCh38, 1-based): chr16:89,284,548, T>C on the plus strand (A>G on the coding strand, the complement: ANKRD11 is on the minus strand). VCF-style: chr16-89284548-T-C. GRCh37 (hg19) VCF-style: chr16-89350956-T-C.
Other names: c.1994A>G (NM_013275.5); c.1994A>G, p.Lys665Arg (NM_001256182.2, NM_001256183.2); short protein forms K665R.
Identifiers: ClinVar variation 585402 (VCV000585402.7), dbSNP rs769640583, ClinGen allele CA8242651.
Genomic context (GRCh38, chr16:89,284,548, plus strand): 5'-TTTAGCTTGTTTTCAGTGGAAAGATCATTCTCTAACAGTATAGCCTTATCTGACTTCTGC[T>C]TGGAGTCCTCATATTCGTAAGTAAAACTTTTCAACTTCAGCTCTTGGCTGATGGAACACT-3'
Protein context (NP_037407.4, residues 655-675): KSFTYEYEDS[Lys665Arg]QKSDKAILLE

ClinVar aggregate classification (germline): Uncertain significance. Review status: criteria provided, multiple submitters, no conflicts (2 of 4 stars). 3 submissions from 3 submitters: Uncertain significance (3). Last evaluated 2025-10-25.

Conditions:
KBG syndrome (KBGS). Also called: ANKRD11-Related KBG Syndrome. Identifiers: Orphanet 2332, MedGen C0220687, MONDO:0007846, OMIM 148050.

Allele frequency attached by ClinVar (database versions not stated): TOPMed below 0.00001; gnomAD 0.00001; gnomAD exomes 0.00001 and 0.00003; ExAC 0.00002.
gnomAD v4.1: 17 of 1,614,076 alleles (0.0011%); highest among the groups gnomAD compares: Middle Eastern, 0.016%; no homozygotes.

Submissions (3):

Labcorp Genetics (formerly Invitae), Labcorp
Classification: Uncertain significance for KBG syndrome. Last evaluated: 2025-10-25. Review status: criteria provided, single submitter. Criteria: Invitae Variant Classification Sherloc (09022015). Collection method: clinical testing. Allele origin: germline.
Comment: This sequence change replaces lysine, which is basic and polar, with arginine, which is basic and polar, at codon 665 of the ANKRD11 protein (p.Lys665Arg). This variant is present in population databases (rs769640583, gnomAD 0.02%). This variant has not been reported in the literature in individuals affected with ANKRD11-related conditions. ClinVar contains an entry for this variant (Variation ID: 585402). Invitae Evidence Modeling of protein sequence and biophysical properties (such as structural, functional, and spatial information, amino acid conservation, physicochemical variation, residue mobility, and thermodynamic stability) indicates that this missense variant is not expected to disrupt ANKRD11 protein function with a negative predictive value of 95%. In summary, the available evidence is currently insufficient to determine the role of this variant in disease. Therefore, it has been classified as a Variant of Uncertain Significance.

Revvity Omics, Revvity
Classification: Uncertain significance for KBG syndrome. Last evaluated: 2024-01-05. Review status: criteria provided, single submitter. Criteria: ACMG Guidelines, 2015. Collection method: clinical testing. Allele origin: germline.

Athena Diagnostics
Classification: Uncertain significance. Last evaluated: 2018-04-10. Review status: criteria provided, single submitter. Criteria: Athena Diagnostics Criteria. Collection method: clinical testing. Allele origin: germline.